The following is an entry in ClinVar:

ClinVar aggregate classification (germline): Benign/Likely benign. Review status: criteria provided, multiple submitters, no conflicts (2 of 4 stars). 5 submissions from 5 submitters: Benign (2); Likely benign (3). Last evaluated 2026-02-01.

Conditions:
Jalili syndrome. Also called: CONE-ROD DYSTROPHY AND AMELOGENESIS IMPERFECTA. Identifiers: Orphanet 1873, MedGen C3495589, MONDO:0009007, OMIM 217080.

Allele frequency attached by ClinVar (database versions not stated): 1000 Genomes Project 0.00120; 1000 Genomes Project 30x 0.00125; gnomAD exomes 0.00354 and 0.00448; TOPMed 0.00359; gnomAD 0.00389 and 0.00402; ESP Exome Variant Server 0.00415; ExAC 0.00427.
gnomAD v4.1: 5,813 of 1,614,096 alleles (0.36%); highest among the groups gnomAD compares: Admixed American, 0.39%; 22 homozygotes.

Submissions (5):

Labcorp Genetics (formerly Invitae), Labcorp
Classification: Benign. Last evaluated: 2026-02-01. Review status: criteria provided, single submitter. Criteria: Invitae Variant Classification Sherloc (09022015). Collection method: clinical testing. Allele origin: germline.

CeGaT Center for Human Genetics Tuebingen
Classification: Likely benign. Last evaluated: 2025-06-01. Review status: criteria provided, single submitter. Criteria: CeGaT Center For Human Genetics Tuebingen Variant Classification Criteria Version 2. Collection method: clinical testing. Allele origin: germline. Affected: yes. Observed: 2 variant alleles.
Comment: CNNM4: BP4, BP7, BS2

Illumina Laboratory Services, Illumina
Classification: Likely benign for Jalili syndrome. Last evaluated: 2018-01-13. Review status: criteria provided, single submitter. Criteria: ICSL Variant Classification Criteria 13 December 2019. Collection method: clinical testing. Allele origin: germline.
Comment: This variant was observed in the ICSL laboratory as part of a predisposition screen in an ostensibly healthy population. It had not been previously curated by ICSL or reported in the Human Gene Mutation Database (HGMD: prior to June 1st, 2018), and was therefore a candidate for classification through an automated scoring system. Utilizing variant allele frequency, disease prevalence and penetrance estimates, and inheritance mode, an automated score was calculated to assess if this variant is too frequent to cause the disease. Based on the score and internal cut-off values, a variant classified as likely benign is not then subjected to further curation. The score for this variant resulted in a classification of likely benign for this disease.

Eurofins Ntd Llc (ga)
Classification: Benign. Last evaluated: 2015-01-23. Review status: criteria provided, single submitter. Criteria: EGL Classification Definitions 2015. Collection method: clinical testing. Allele origin: germline. Observed: 2 variant alleles, 2 heterozygotes.

Breakthrough Genomics
Classification: Likely benign. Review status: criteria provided, single submitter. Criteria: ACMG Guidelines, 2015. Collection method: not provided. Allele origin: germline. Inheritance: Autosomal recessive inheritance. Affected: yes.

NM_020184.4(CNNM4):c.399G>A (p.Val133=)

Gene: CNNM4 (cyclin and CBS domain divalent metal cation transport mediator 4; plus strand). Cytogenetic location: 2q11.2.
Variant type: single nucleotide variant.
Coding change: c.399G>A on transcript NM_020184.4 (MANE Select); coding-DNA position 399, G replaced by A.
Protein change: p.Val133=; no amino-acid change (valine 133 retained).
Molecular consequence: synonymous variant.
Genome position (GRCh38, 1-based): chr2:96,761,398, G>A. VCF-style: chr2-96761398-G-A. GRCh37 (hg19) VCF-style: chr2-97427135-G-A.
Identifiers: ClinVar variation 95944 (VCV000095944.43), dbSNP rs34147094, ClinGen allele CA149065.
Genomic context (GRCh38, chr2:96,761,398, plus strand): 5'-GGACCTGGTCGTCCAGCAGCTGGTCAACGTGAGCCGCGGGAACACGTCCGGCGTGCTGGT[G>A]GTGCTCACCAAGTTCCTCCGGAGGAGCGAGAGCATGAAGCTGTATGCACTGTGCACCCGG-3'
Protein context (NP_064569.3, residues 123-143): VSRGNTSGVL[Val133=]VLTKFLRRSE